The following is an entry in ClinVar:

NM_006031.6(PCNT):c.2651C>T (p.Ala884Val)

Gene: PCNT (pericentrin; plus strand). Cytogenetic location: 21q22.3.
Variant type: single nucleotide variant.
Coding change: c.2651C>T on transcript NM_006031.6 (MANE Select); coding-DNA position 2651, C replaced by T.
Protein change: p.Ala884Val; replaces alanine 884 with valine.
Molecular consequence: missense variant.
Genome position (GRCh38, 1-based): chr21:46,366,625, C>T. VCF-style: chr21-46366625-C-T. GRCh37 (hg19) VCF-style: chr21-47786540-C-T.
Other names: c.2297C>T, p.Ala766Val (NM_001315529.2); short protein forms A766V, A884V.
Identifiers: ClinVar variation 3351779 (VCV003351779.2).

ClinVar aggregate classification (germline): Uncertain significance. Review status: criteria provided, single submitter (1 of 4 stars). 2 submissions from 2 submitters: Uncertain significance (1). 1 of the submissions does not count toward it. Last evaluated 2025-11-19.

Conditions:
PCNT-related disorder. Also called: PCNT-related condition.

gnomAD v4.1: 54 of 1,613,912 alleles (0.0033%); highest among the groups gnomAD compares: Non-Finnish European, 0.004%; no homozygotes.

Submissions (2):

Labcorp Genetics (formerly Invitae), Labcorp
Classification: Uncertain significance. Last evaluated: 2025-11-19. Review status: criteria provided, single submitter. Criteria: Invitae Variant Classification Sherloc (09022015). Collection method: clinical testing. Allele origin: germline.
Comment: This sequence change replaces alanine, which is neutral and non-polar, with valine, which is neutral and non-polar, at codon 884 of the PCNT protein (p.Ala884Val). This variant is present in population databases (rs752714305, gnomAD 0.01%). This variant has not been reported in the literature in individuals affected with PCNT-related conditions. ClinVar contains an entry for this variant (Variation ID: 3351779). An algorithm developed to predict the effect of missense changes on protein structure and function outputs the following: PolyPhen-2: "Possibly Damaging". The valine amino acid residue is found in multiple mammalian species, which suggests that this missense change does not adversely affect protein function. In summary, the available evidence is currently insufficient to determine the role of this variant in disease. Therefore, it has been classified as a Variant of Uncertain Significance.

PreventionGenetics, part of Exact Sciences
Classification: Uncertain significance for PCNT-related condition. Last evaluated: 2024-03-29. Review status: no assertion criteria provided. Collection method: clinical testing. Allele origin: germline. Not counted in ClinVar's aggregate classification.
Comment: The PCNT c.2651C>T variant is predicted to result in the amino acid substitution p.Ala884Val. To our knowledge, this variant has not been reported in the literature. This variant is reported in 0.011% of alleles in individuals of European (Non-Finnish) descent in gnomAD. At this time, the clinical significance of this variant is uncertain due to the absence of conclusive functional and genetic evidence.